The following is an entry in ClinVar:

ClinVar aggregate classification (germline): Benign (3 of 4 stars; one submission).

Conditions:
Breast-ovarian cancer, familial, susceptibility to, 2 (BROVCA2). Also called: BRCA2 Hereditary Breast and Ovarian Cancer. Identifiers: Orphanet 145, MedGen C2675520, MONDO:0012933, OMIM 612555. Disease mechanism: loss of function.

Allele frequency attached by ClinVar (database versions not stated): 1000 Genomes Project 0.00919; 1000 Genomes Project 30x 0.00968.
gnomAD v4.1: 764 of 87,236 alleles (0.88%); highest among the groups gnomAD compares: African/African-American, 3.2%; 11 homozygotes.

Submission:

Evidence-based Network for the Interpretation of Germline Mutant Alleles (ENIGMA)
Classification: Benign for Breast-ovarian cancer, familial 2. Last evaluated: 2015-01-12. Review status: reviewed by expert panel. Criteria: ENIGMA BRCA1/2 Classification Criteria (2015). Collection method: curation. Allele origin: germline.
Comment: Class 1 not pathogenic based on frequency >1% in an outbred sampleset. Frequency 0.08333 (African), derived from 1000 genomes (2012-04-30).

NM_000059.4(BRCA2):c.9256+414G>A

Gene: BRCA2 (BRCA2 DNA repair associated; plus strand). Cytogenetic location: 13q13.1.
Variant type: single nucleotide variant.
Coding change: c.9256+414G>A on transcript NM_000059.4 (MANE Select); 414 bases into the intron after coding-DNA position 9256, G replaced by A.
Molecular consequence: intron variant.
Genome position (GRCh38, 1-based): chr13:32,380,559, G>A. VCF-style: chr13-32380559-G-A. GRCh37 (hg19) VCF-style: chr13-32954696-G-A.
Other names: IVS 24+414G>A.
Identifiers: ClinVar variation 209848 (VCV000209848.1), dbSNP rs11147491, ClinGen allele CA276816.
Genomic context (GRCh38, chr13:32,380,559, plus strand): 5'-CATTGTACAGGGCTATTTATTATCTCAGAGTCAAGCTTTTTTTTTTTTTTTTTTTTCCCC[G>A]AGATGGAGTCTCACTCTGTTGCCCAGGCTGGAGTGCAGTGGCGCTATCTCAGCCCACTGC-3'